The following is an entry in ClinVar:

ClinVar aggregate classification (germline): Uncertain significance (1 of 4 stars; one submission).

Conditions:
Stankiewicz-Isidor syndrome (STISS). Identifiers: MedGen C4479599, MONDO:0054591, OMIM 617516.

gnomAD v4.1: 2 of 1,612,316 alleles (0.00012%); highest among the groups gnomAD compares: Non-Finnish European, 0.00017%; no homozygotes.

Submission:

Baylor Genetics
Classification: Uncertain significance for Stankiewicz-Isidor syndrome. Last evaluated: 2018-09-20. Review status: criteria provided, single submitter. Criteria: ACMG Guidelines, 2015. Collection method: clinical testing. Allele origin: maternal. Affected: yes.
Comment: This variant was determined to be of uncertain significance according to ACMG Guidelines, 2015 [PMID:25741868].

NM_002816.5(PSMD12):c.79C>A (p.Arg27Ser)

Genes: PSMD12 (proteasome 26S subunit, non-ATPase 12; minus strand), LOC130061479 (ATAC-STARR-seq lymphoblastoid active region 12621; plus strand). Cytogenetic location: 17q24.2.
Variant type: single nucleotide variant.
Coding change: c.79C>A on transcript NM_002816.5 (MANE Select); coding-DNA position 79, C replaced by A.
Protein change: p.Arg27Ser; replaces arginine 27 with serine.
Molecular consequence: missense variant. On other transcripts: 5 prime UTR variant (1).
Genome position (GRCh38, 1-based): chr17:67,366,441, G>T on the plus strand (C>A on the coding strand, the complement: PSMD12 is on the minus strand). VCF-style: chr17-67366441-G-T. GRCh37 (hg19) VCF-style: chr17-65362557-G-T.
Other names: c.-383C>A (NM_001316341.2); c.79C>A, p.Arg27Ser (NM_174871.4); short protein forms R27S.
Identifiers: ClinVar variation 1032849 (VCV001032849.1), dbSNP rs1168437403, ClinGen allele CA400806152.